The following is an entry in ClinVar:

ClinVar aggregate classification (germline): Likely benign. Review status: criteria provided, multiple submitters, no conflicts (2 of 4 stars). 5 submissions from 5 submitters: Likely benign (4). 1 of the submissions does not count toward it. Last evaluated 2025-11-11.

Conditions:
Familial cancer of breast. Also called: BREAST CANCER, FAMILIAL; Hereditary breast cancer; hereditary breast carcinoma. Identifiers: Orphanet 227535, MedGen C0346153, MONDO:0016419, OMIM 114480. Disease mechanism: loss of function.
Ataxia-telangiectasia syndrome (AT). Also called: Cerebello-oculocutaneous telangiectasia; Immunodeficiency with ataxia telangiectasia; Ataxia-telangiectasia, complementation group E; Ataxia-telangiectasia, complementation group D; AT, COMPLEMENTATION GROUP C; ATAXIA-TELANGIECTASIA, COMPLEMENTATION GROUP A. Identifiers: Orphanet 100, MedGen C0004135, MONDO:0008840, OMIM 208900.
Hereditary cancer-predisposing syndrome. Also called: Hereditary Cancer Syndrome; Neoplastic Syndromes, Hereditary; Tumor predisposition; Hereditary neoplastic syndrome. Identifiers: Orphanet 140162, MedGen C0027672, MeSH D009386, MONDO:0015356.
Malignant tumor of breast. Also called: Malignant breast neoplasm; Cancer breast. Identifiers: MedGen C0006142, MONDO:0007254. Disease mechanism: loss of function.

Allele frequency attached by ClinVar (database versions not stated): TOPMed 0.00001; gnomAD 0.00001.
gnomAD v4.1: 1 of 1,584,762 alleles (0.000063%); highest among the groups gnomAD compares: Admixed American, 0.0017%; no homozygotes.

Submissions (5):

Labcorp Genetics (formerly Invitae), Labcorp
Classification: Likely benign for Ataxia-telangiectasia syndrome. Last evaluated: 2025-11-11. Review status: criteria provided, single submitter. Criteria: Invitae Variant Classification Sherloc (09022015). Collection method: clinical testing. Allele origin: germline.

Blueprint Genetics
Classification: Likely benign. Last evaluated: 2024-09-24. Review status: criteria provided, single submitter. Criteria: ACMG Guidelines, 2015. Collection method: clinical testing. Allele origin: germline.

Fulgent Genetics
Classification: Likely benign for Familial cancer of breast; Ataxia-telangiectasia syndrome. Last evaluated: 2021-07-01. Review status: criteria provided, single submitter. Criteria: ACMG Guidelines, 2015. Collection method: clinical testing. Allele origin: unknown.

Color Diagnostics, LLC DBA Color Health
Classification: Likely benign for Hereditary cancer-predisposing syndrome. Last evaluated: 2016-12-10. Review status: criteria provided, single submitter. Criteria: ACMG Guidelines, 2015. Collection method: clinical testing. Allele origin: germline.

Department of Pathology and Laboratory Medicine, Sinai Health System
Classification: Uncertain significance for Malignant tumor of breast. Review status: no assertion criteria provided. Collection method: clinical testing. Allele origin: unknown. Affected: yes. Observed: 1 variant allele. Study: The Canadian Open Genetics Repository (COGR). Not counted in ClinVar's aggregate classification.
Comment: The ATM c.8268+13A>T variant was not identified in the literature nor was it identified in the dbSNP, Clinvitae, COGR, or LOVD 3.0 databases. The variant was identified in ClinVar (classified as likely benign by Color Genomics). The variant was not identified in the following control databases: the 1000 Genomes Project, the NHLBI GO Exome Sequencing Project, the Exome Aggregation Consortium (August 8th 2016), or the Genome Aggregation Database (Feb 27, 2017). The variant occurs outside of the splicing consensus sequence and 2 of 5 in silico or computational prediction software programs (SpliceSiteFinder, MaxEntScan, NNSPLICE, GeneSplicer, HumanSpliceFinder) predict a greater than 10% difference in splicing; this is not very predictive of pathogenicity. In summary, based on the above information, the clinical significance of this variant cannot be determined with certainty at this time. This variant is classified as a variant of uncertain significance.

NM_000051.4(ATM):c.8268+13A>T

Genes: ATM (ATM serine/threonine kinase; plus strand), C11orf65 (chromosome 11 open reading frame 65; minus strand). Cytogenetic location: 11q22.3.
Variant type: single nucleotide variant.
Coding change: c.8268+13A>T on transcript NM_000051.4 (MANE Select); 13 bases into the intron after coding-DNA position 8268, A replaced by T.
Molecular consequence: intron variant.
Genome position (GRCh38, 1-based): chr11:108,335,974, A>T. VCF-style: chr11-108335974-A-T. GRCh37 (hg19) VCF-style: chr11-108206701-A-T.
Other names: c.8268+13A>T (NM_001351834.2); c.641-26903T>A (NM_001330368.2); c.695-682T>A (NM_001351110.2).
Identifiers: ClinVar variation 490730 (VCV000490730.14), dbSNP rs1400036072, ClinGen allele CA658683698.